The following is an entry in ClinVar:

ClinVar aggregate classification (germline): Uncertain significance. Review status: criteria provided, multiple submitters, no conflicts (2 of 4 stars). 2 submissions from 2 submitters: Uncertain significance (2). Last evaluated 2025-04-05.

Conditions:
Bardet-Biedl syndrome (BBS). Identifiers: Orphanet 110, MedGen C0752166, MONDO:0015229.
BBS5-related disorder. Also called: BBS5-related condition.

Allele frequency attached by ClinVar (database versions not stated): ExAC 0.00001; gnomAD exomes 0.00001; TOPMed 0.00001.
gnomAD v4.1: 8 of 1,598,996 alleles (0.0005%); highest among the groups gnomAD compares: Non-Finnish European, 0.00069%; no homozygotes.

Submissions (2):

PreventionGenetics, part of Exact Sciences
Classification: Uncertain significance for BBS5-related condition. Last evaluated: 2025-04-05. Review status: criteria provided, single submitter. Criteria: ACMG Guidelines, 2015. Collection method: clinical testing. Allele origin: germline.
Comment: The BBS5 c.658C>T variant is predicted to result in the amino acid substitution p.Leu220Phe. To our knowledge, this variant has not been reported in the literature. This variant is reported in 0.0026% of alleles in individuals of European (Non-Finnish) descent in gnomAD. At this time, the clinical significance of this variant is uncertain due to the absence of conclusive functional and genetic evidence.

Labcorp Genetics (formerly Invitae), Labcorp
Classification: Uncertain significance for Bardet-Biedl syndrome. Last evaluated: 2022-02-22. Review status: criteria provided, single submitter. Criteria: Invitae Variant Classification Sherloc (09022015). Collection method: clinical testing. Allele origin: germline.
Comment: This sequence change replaces leucine, which is neutral and non-polar, with phenylalanine, which is neutral and non-polar, at codon 220 of the BBS5 protein (p.Leu220Phe). In summary, the available evidence is currently insufficient to determine the role of this variant in disease. Therefore, it has been classified as a Variant of Uncertain Significance. Algorithms developed to predict the effect of missense changes on protein structure and function are either unavailable or do not agree on the potential impact of this missense change (SIFT: "Deleterious"; PolyPhen-2: "Probably Damaging"; Align-GVGD: "Class C15"). This variant has not been reported in the literature in individuals affected with BBS5-related conditions. This variant is present in population databases (rs745313011, gnomAD 0.003%).

NM_152384.3(BBS5):c.658C>T (p.Leu220Phe)

Gene: BBS5 (Bardet-Biedl syndrome 5; plus strand). Cytogenetic location: 2q31.1.
Variant type: single nucleotide variant.
Coding change: c.658C>T on transcript NM_152384.3 (MANE Select); coding-DNA position 658, C replaced by T.
Protein change: p.Leu220Phe; replaces leucine 220 with phenylalanine.
Molecular consequence: missense variant.
Genome position (GRCh38, 1-based): chr2:169,497,666, C>T. VCF-style: chr2-169497666-C-T. GRCh37 (hg19) VCF-style: chr2-170354176-C-T.
Other names: c.658C>T (NM_152384.2); short protein forms L220F.
Identifiers: ClinVar variation 2186913 (VCV002186913.3), dbSNP rs745313011, ClinGen allele CA1956266.
Genomic context (GRCh38, chr2:169,497,666, plus strand): 5'-TCTTTTTCATTTTGTATCTAGCGTTCAATAAAGATTAGAGATTCAAAATTTGGTTTAGCT[C>T]TTGTCATAGAAAGCTCTCAGCAGGTAAGATCTTGTATATTTTTATTAATCTTTGATTTTT-3'
Protein context (NP_689597.1, residues 210-230): KIRDSKFGLA[Leu220Phe]VIESSQQSGG